The following is an entry in ClinVar:

ClinVar aggregate classification (germline): Benign/Likely benign. Review status: criteria provided, multiple submitters, no conflicts (2 of 4 stars). 3 submissions from 3 submitters: Benign (1); Likely benign (2). Last evaluated 2024-12-26.

Conditions:
Lynch syndrome 5 (LYNCH5). Also called: Colorectal cancer, hereditary nonpolyposis, type 5; Hereditary non-polyposis colorectal cancer, type 5. Identifiers: Orphanet 144, MedGen C1833477, MONDO:0013710, OMIM 614350. Disease mechanism: loss of function.
Hereditary cancer-predisposing syndrome. Also called: Neoplastic Syndromes, Hereditary; Hereditary neoplastic syndrome; Hereditary Cancer Syndrome; Tumor predisposition. Identifiers: Orphanet 140162, MedGen C0027672, MeSH D009386, MONDO:0015356.

Submissions (3):

Myriad Genetics, Inc.
Classification: Benign for Lynch syndrome 5. Last evaluated: 2024-12-26. Review status: criteria provided, single submitter. Criteria: Myriad Autosomal Dominant, Autosomal Recessive and X-Linked Classification Criteria (2023). Collection method: clinical testing. Allele origin: unknown.
Comment: This variant is considered benign. This variant is a silent/synonymous amino acid change and it is not expected to impact splicing.

Women's Health and Genetics/Laboratory Corporation of America, LabCorp
Classification: Likely benign. Last evaluated: 2021-07-09. Review status: criteria provided, single submitter. Criteria: LabCorp Variant Classification Summary - May 2015. Collection method: clinical testing. Allele origin: germline.

Ambry Genetics
Classification: Likely benign for Hereditary cancer-predisposing syndrome. Last evaluated: 2020-05-29. Review status: criteria provided, single submitter. Criteria: Ambry Variant Classification Scheme 2023. Collection method: clinical testing. Allele origin: germline.

NM_000179.3(MSH6):c.1413T>C (p.Asp471=)

Gene: MSH6 (mutS homolog 6; plus strand). Cytogenetic location: 2p16.3.
Variant type: single nucleotide variant.
Coding change: c.1413T>C on transcript NM_000179.3 (MANE Select); coding-DNA position 1413, T replaced by C.
Protein change: p.Asp471=; no amino-acid change (aspartic acid 471 retained).
Molecular consequence: synonymous variant.
Genome position (GRCh38, 1-based): chr2:47,799,396, T>C. VCF-style: chr2-47799396-T-C. GRCh37 (hg19) VCF-style: chr2-48026535-T-C.
Other names: c.1023T>C, p.Asp341= (NM_001281492.2); c.507T>C, p.Asp169= (NM_001281493.2, NM_001281494.2).
Identifiers: ClinVar variation 1192230 (VCV001192230.4), dbSNP rs772123097, ClinGen allele CA426121174.